The following is an entry in ClinVar:

NM_005245.4(FAT1):c.4599+6C>T

Gene: FAT1 (FAT atypical cadherin 1; minus strand). Cytogenetic location: 4q35.2.
Variant type: single nucleotide variant.
Coding change: c.4599+6C>T on transcript NM_005245.4 (MANE Select); 6 bases into the intron after coding-DNA position 4599, C replaced by T.
Molecular consequence: intron variant.
Genome position (GRCh38, 1-based): chr4:186,628,482, G>A on the plus strand (C>T on the coding strand, the complement: FAT1 is on the minus strand). VCF-style: chr4-186628482-G-A. GRCh37 (hg19) VCF-style: chr4-187549636-G-A.
Other names: c.4599+6C>T (NM_005245.3).
Identifiers: ClinVar variation 809715 (VCV000809715.48), dbSNP rs201798649, ClinGen allele CA3166680.
Genomic context (GRCh38, chr4:186,628,482, plus strand): 5'-AATCACGCTCGAACACACAAAGGCCTCAGGACCAAATGGTGGGAGGAGAGCGGGTAGAGC[G>A]CCTACCATGACCGTGAGGGTGTGCTGGTGAACAGCTTCATGATCCAGTTTCTCAGAAGTA-3'

ClinVar aggregate classification (germline): Conflicting classifications of pathogenicity. Review status: criteria provided, conflicting classifications (1 of 4 stars). 5 submissions from 5 submitters: Uncertain significance (2); Likely benign (2). 1 of the submissions does not count toward it. Last evaluated 2026-01-27.

Conditions:
FAT1-related disorder. Also called: FAT1-related condition.

Allele frequency attached by ClinVar (database versions not stated): ESP Exome Variant Server 0.00008; gnomAD 0.00015 and 0.00029; TOPMed 0.00017; 1000 Genomes Project 30x 0.00031; 1000 Genomes Project 0.00040; gnomAD exomes 0.00057 and 0.00084; ExAC 0.00100.
gnomAD v4.1: 889 of 1,613,836 alleles (0.055%); highest among the groups gnomAD compares: South Asian, 0.47%; 8 homozygotes.

Submissions (5):

Labcorp Genetics (formerly Invitae), Labcorp
Classification: Likely benign. Last evaluated: 2026-01-27. Review status: criteria provided, single submitter. Criteria: Invitae Variant Classification Sherloc (09022015). Collection method: clinical testing. Allele origin: germline.

Blueprint Genetics
Classification: Likely benign. Last evaluated: 2024-11-23. Review status: criteria provided, single submitter. Criteria: ACMG Guidelines, 2015. Collection method: clinical testing. Allele origin: germline.

CeGaT Center for Human Genetics Tuebingen
Classification: Uncertain significance. Last evaluated: 2017-11-01. Review status: criteria provided, single submitter. Criteria: CeGaT Center For Human Genetics Tuebingen Variant Classification Criteria Version 2. Collection method: clinical testing. Allele origin: germline. Affected: yes. Observed: 1 variant allele.

Breakthrough Genomics
Classification: Uncertain significance. Review status: criteria provided, single submitter. Criteria: ACMG Guidelines, 2015. Collection method: not provided. Allele origin: germline. Inheritance: Unknown mechanism. Affected: yes.

PreventionGenetics, part of Exact Sciences
Classification: Likely benign for FAT1-related condition. Last evaluated: 2024-03-14. Review status: no assertion criteria provided. Collection method: clinical testing. Allele origin: germline. Not counted in ClinVar's aggregate classification.
Comment: This variant is classified as likely benign based on ACMG/AMP sequence variant interpretation guidelines (Richards et al. 2015 PMID: 25741868, with internal and published modifications).